The following is an entry in ClinVar:

NM_198525.3(KIF7):c.1450G>A (p.Glu484Lys)

Gene: KIF7 (kinesin family member 7; minus strand). Cytogenetic location: 15q26.1.
Variant type: single nucleotide variant.
Coding change: c.1450G>A on transcript NM_198525.3 (MANE Select); coding-DNA position 1450, G replaced by A.
Protein change: p.Glu484Lys; replaces glutamic acid 484 with lysine.
Molecular consequence: missense variant.
Genome position (GRCh38, 1-based): chr15:89,647,706, C>T on the plus strand (G>A on the coding strand, the complement: KIF7 is on the minus strand). VCF-style: chr15-89647706-C-T. GRCh37 (hg19) VCF-style: chr15-90190937-C-T.
Other names: short protein forms E484K.
Identifiers: ClinVar variation 1416752 (VCV001416752.8), dbSNP rs900459039, ClinGen allele CA274582155.

ClinVar aggregate classification (germline): Uncertain significance (1 of 4 stars; one submission).

Conditions:
Acrocallosal syndrome (ACLS). Also called: Schinzel syndrome 1; Absence of corpus callosum with unusual facial appearance, mental deficiency, duplication of the halluces and polydactyly; HALLUX DUPLICATION, POSTAXIAL POLYDACTYLY, AND ABSENCE OF CORPUS CALLOSUM. Identifiers: Orphanet 36, MedGen C0796147, MONDO:0008708, OMIM 200990.

Allele frequency attached by ClinVar (database versions not stated): gnomAD 0.00002; TOPMed 0.00002.
gnomAD v4.1: 3 of 1,571,280 alleles (0.00019%); highest among the groups gnomAD compares: Non-Finnish European, 0.00026%; no homozygotes.

Submission:

Labcorp Genetics (formerly Invitae), Labcorp
Classification: Uncertain significance for Acrocallosal syndrome. Last evaluated: 2022-07-20. Review status: criteria provided, single submitter. Criteria: Invitae Variant Classification Sherloc (09022015). Collection method: clinical testing. Allele origin: germline.
Comment: This variant is present in population databases (no rsID available, gnomAD 0.01%). This sequence change replaces glutamic acid, which is acidic and polar, with lysine, which is basic and polar, at codon 484 of the KIF7 protein (p.Glu484Lys). This variant has not been reported in the literature in individuals affected with KIF7-related conditions. In summary, the available evidence is currently insufficient to determine the role of this variant in disease. Therefore, it has been classified as a Variant of Uncertain Significance. Algorithms developed to predict the effect of missense changes on protein structure and function (SIFT, PolyPhen-2, Align-GVGD) all suggest that this variant is likely to be tolerated. ClinVar contains an entry for this variant (Variation ID: 1416752).